The following is an entry in ClinVar:

ClinVar aggregate classification (germline): Uncertain significance (1 of 4 stars; one submission).

gnomAD v4.1: 2 of 1,612,684 alleles (0.00012%); highest among the groups gnomAD compares: Non-Finnish European, 0.00017%; no homozygotes.

Submission:

Women's Health and Genetics/Laboratory Corporation of America, LabCorp
Classification: Uncertain significance. Last evaluated: 2025-05-13. Review status: criteria provided, single submitter. Criteria: LabCorp Variant Classification Summary - May 2015. Collection method: clinical testing. Allele origin: germline.
Comment: Variant summary: TTN c.43213A>G (p.Ser14405Gly) results in a non-conservative amino acid change located in the A-band region of the encoded protein sequence. Algorithms developed to predict the effect of missense changes on protein structure and function are either unavailable or do not agree on the potential impact of this missense change. The variant allele was found at a frequency of 1.2e-06 in 1605722 control chromosomes. The available data on variant occurrences in the general population are insufficient to allow any conclusion about variant significance. To our knowledge, no occurrence of c.43213A>G in individuals affected with Dilated Cardiomyopathy and no experimental evidence demonstrating its impact on protein function have been reported. No submitters have cited clinical-significance assessments for this variant to ClinVar. Based on the evidence outlined above, the variant was classified as uncertain significance.

NM_001267550.2(TTN):c.50917A>G (p.Ser16973Gly)

Genes: TTN (titin; minus strand), TTN-AS1 (TTN antisense RNA 1; plus strand). Cytogenetic location: 2q31.2.
Variant type: single nucleotide variant.
Coding change: c.50917A>G on transcript NM_001267550.2 (MANE Select); coding-DNA position 50917, A replaced by G.
Protein change: p.Ser16973Gly; replaces serine 16973 with glycine.
Molecular consequence: missense variant.
Genome position (GRCh38, 1-based): chr2:178,611,212, T>C on the plus strand (A>G on the coding strand, the complement: TTN is on the minus strand). VCF-style: chr2-178611212-T-C. GRCh37 (hg19) VCF-style: chr2-179475939-T-C.
Other names: c.45994A>G, p.Ser15332Gly (NM_001256850.1); c.23722A>G, p.Ser7908Gly (NM_003319.4); c.43213A>G, p.Ser14405Gly (NM_133378.4); c.24097A>G, p.Ser8033Gly (NM_133432.3); c.24298A>G, p.Ser8100Gly (NM_133437.4); short protein forms S14405G, S15332G, S16973G, S7908G, S8033G, S8100G.
Identifiers: ClinVar variation 3902236 (VCV003902236.1).